The following is an entry in ClinVar:

NM_024996.7(GFM1):c.1102T>C (p.Leu368=)

Gene: GFM1 (G elongation factor mitochondrial 1; plus strand). Cytogenetic location: 3q25.32.
Variant type: single nucleotide variant.
Coding change: c.1102T>C on transcript NM_024996.7 (MANE Select); coding-DNA position 1102, T replaced by C.
Protein change: p.Leu368=; no amino-acid change (leucine 368 retained).
Molecular consequence: synonymous variant. On other transcripts: non-coding transcript variant (4), intron variant (1).
Genome position (GRCh38, 1-based): chr3:158,658,940, T>C. VCF-style: chr3-158658940-T-C. GRCh37 (hg19) VCF-style: chr3-158376729-T-C.
Other names: c.1159T>C (NM_001308164.1); c.1159T>C, p.Leu387= (NM_001308164.2); c.1102T>C, p.Leu368= (NM_001308166.2); c.985T>C, p.Leu329= (NM_001374356.1); c.877T>C, p.Leu293= (NM_001374357.1); c.643T>C, p.Leu215= (NM_001374358.1); c.535T>C, p.Leu179= (NM_001374359.1, NM_001374360.1); c.418T>C, p.Leu140= (NM_001374361.1); and 1 more.
Identifiers: ClinVar variation 718429 (VCV000718429.13), dbSNP rs142843314, ClinGen allele CA2682538.
Genomic context (GRCh38, chr3:158,658,940, plus strand): 5'-TTCTTTTTATTCTTCCTGCCCTTACCCAATCTTGACTTCTAGGTAGGTCGATTTGGACAA[T>C]TAACTTATGTTCGCAGTTATCAGGGAGAGCTAAAGAAGGGTGACACCATCTATAACACAA-3'
Protein context (NP_079272.4, residues 358-378): FKLEVGRFGQ[Leu368=]TYVRSYQGEL

ClinVar aggregate classification (germline): Likely benign. Review status: criteria provided, single submitter (1 of 4 stars). 3 submissions from 3 submitters: Likely benign (1). 2 of the submissions do not count toward it. Last evaluated 2025-08-26.

Conditions:
GFM1-related disorder. Also called: GFM1-related condition.
Hepatoencephalopathy due to combined oxidative phosphorylation defect type 1. Also called: HEPATOENCEPHALOPATHY, EARLY FATAL PROGRESSIVE. Identifiers: Orphanet 137681, MedGen C1836797, MONDO:0012191, OMIM 609060.

Allele frequency attached by ClinVar (database versions not stated): gnomAD exomes 0.00003 and 0.00008; ExAC 0.00008; gnomAD 0.00027 and 0.00029; TOPMed 0.00030; 1000 Genomes Project 30x 0.00031; ESP Exome Variant Server 0.00038; 1000 Genomes Project 0.00040.
gnomAD v4.1: 86 of 1,614,200 alleles (0.0053%); highest among the groups gnomAD compares: African/African-American, 0.089%; no homozygotes.

Submissions (3):

Labcorp Genetics (formerly Invitae), Labcorp
Classification: Likely benign. Last evaluated: 2025-08-26. Review status: criteria provided, single submitter. Criteria: Invitae Variant Classification Sherloc (09022015). Collection method: clinical testing. Allele origin: germline.

Natera, Inc.
Classification: Likely benign for Combined oxidative phosphorylation deficiency 1. Last evaluated: 2020-04-23. Review status: no assertion criteria provided. Collection method: clinical testing. Allele origin: germline. Not counted in ClinVar's aggregate classification.

PreventionGenetics, part of Exact Sciences
Classification: Likely benign for GFM1-related condition. Last evaluated: 2020-03-13. Review status: no assertion criteria provided. Collection method: clinical testing. Allele origin: germline. Not counted in ClinVar's aggregate classification.
Comment: This variant is classified as likely benign based on ACMG/AMP sequence variant interpretation guidelines (Richards et al. 2015 PMID: 25741868, with internal and published modifications).